The following is an entry in ClinVar:

ClinVar aggregate classification (germline): Uncertain significance (1 of 4 stars; one submission).

Conditions:
Charcot-Marie-Tooth disease axonal type 2C (HMSN2C). Also called: Charcot-Marie-Tooth Disease Type 2, TRPV4-Related (CMT2C); CHARCOT-MARIE-TOOTH DISEASE, AXONAL, AUTOSOMAL DOMINANT, TYPE 2C; Charcot-Marie-Tooth Neuropathy Type 2C. Identifiers: Orphanet 99937, MedGen C1853710, MONDO:0011633, OMIM 606071.

Allele frequency attached by ClinVar (database versions not stated): gnomAD exomes below 0.00001; TOPMed below 0.00001; gnomAD 0.00001.
gnomAD v4.1: 4 of 1,613,986 alleles (0.00025%); highest among the groups gnomAD compares: Non-Finnish European, 0.00034%; no homozygotes.

Submission:

Labcorp Genetics (formerly Invitae), Labcorp
Classification: Uncertain significance for Charcot-Marie-Tooth disease axonal type 2C. Last evaluated: 2019-09-20. Review status: criteria provided, single submitter. Criteria: Invitae Variant Classification Sherloc (09022015). Collection method: clinical testing. Allele origin: germline.
Comment: This sequence change replaces lysine with methionine at codon 70 of the TRPV4 protein (p.Lys70Met). The lysine residue is weakly conserved and there is a moderate physicochemical difference between lysine and methionine. This variant is not present in population databases (ExAC no frequency). This variant has not been reported in the literature in individuals with TRPV4-related conditions. Algorithms developed to predict the effect of missense changes on protein structure and function are either unavailable or do not agree on the potential impact of this missense change (SIFT: "Deleterious"; PolyPhen-2: "Probably Damaging"; Align-GVGD: "Class C0"). In summary, the available evidence is currently insufficient to determine the role of this variant in disease. Therefore, it has been classified as a Variant of Uncertain Significance.

NM_021625.5(TRPV4):c.209A>T (p.Lys70Met)

Gene: TRPV4 (transient receptor potential cation channel subfamily V member 4; minus strand). Cytogenetic location: 12q24.11.
Variant type: single nucleotide variant.
Coding change: c.209A>T on transcript NM_021625.5 (MANE Select); coding-DNA position 209, A replaced by T.
Protein change: p.Lys70Met; replaces lysine 70 with methionine.
Molecular consequence: missense variant.
Genome position (GRCh38, 1-based): chr12:109,814,588, T>A on the plus strand (A>T on the coding strand, the complement: TRPV4 is on the minus strand). VCF-style: chr12-109814588-T-A. GRCh37 (hg19) VCF-style: chr12-110252393-T-A.
Other names: c.209A>T, p.Lys70Met (NM_001177428.2, NM_001177433.2, NM_147204.3); c.107A>T, p.Lys36Met (NM_001177431.2); short protein forms K36M, K70M.
Identifiers: ClinVar variation 937980 (VCV000937980.9), dbSNP rs1437603973, ClinGen allele CA386660594.